The following is an entry in ClinVar:

NM_003365.3(UQCRC1):c.428-4C>G

Gene: UQCRC1 (ubiquinol-cytochrome c reductase core protein 1; minus strand). Cytogenetic location: 3p21.31.
Variant type: single nucleotide variant.
Coding change: c.428-4C>G on transcript NM_003365.3 (MANE Select); 4 bases into the intron before coding-DNA position 428, C replaced by G.
Molecular consequence: intron variant.
Genome position (GRCh38, 1-based): chr3:48,604,435, G>C on the plus strand (C>G on the coding strand, the complement: UQCRC1 is on the minus strand). VCF-style: chr3-48604435-G-C. GRCh37 (hg19) VCF-style: chr3-48641868-G-C.
Identifiers: ClinVar variation 3357995 (VCV003357995.1).

ClinVar aggregate classification (germline): Likely benign (0 of 4 stars; one submission).

Conditions:
UQCRC1-related disorder. Also called: UQCRC1-related condition.

gnomAD v4.1: 25 of 1,613,474 alleles (0.0015%); highest among the groups gnomAD compares: Non-Finnish European, 0.0019%; no homozygotes.

Submission:

PreventionGenetics, part of Exact Sciences
Classification: Likely benign for UQCRC1-related condition. Last evaluated: 2024-09-17. Review status: no assertion criteria provided. Collection method: clinical testing. Allele origin: germline.
Comment: This variant is classified as likely benign based on ACMG/AMP sequence variant interpretation guidelines (Richards et al. 2015 PMID: 25741868, with internal and published modifications).